The following is an entry in ClinVar:

ClinVar aggregate classification (germline): Uncertain significance (1 of 4 stars; one submission).

Allele frequency attached by ClinVar (database versions not stated): gnomAD exomes below 0.00001.
gnomAD v4.1: 1 of 1,614,076 alleles (0.000062%); highest among the groups gnomAD compares: Non-Finnish European, 0.000085%; no homozygotes.

Submission:

Labcorp Genetics (formerly Invitae), Labcorp
Classification: Uncertain significance. Last evaluated: 2022-12-16. Review status: criteria provided, single submitter. Criteria: Invitae Variant Classification Sherloc (09022015). Collection method: clinical testing. Allele origin: germline.
Comment: This variant is not present in population databases (gnomAD no frequency). This sequence change replaces tyrosine, which is neutral and polar, with cysteine, which is neutral and slightly polar, at codon 741 of the HK1 protein (p.Tyr741Cys). This variant has not been reported in the literature in individuals affected with HK1-related conditions. Algorithms developed to predict the effect of missense changes on protein structure and function are either unavailable or do not agree on the potential impact of this missense change (SIFT: "Deleterious"; PolyPhen-2: "Probably Damaging"; Align-GVGD: "Class C0"). Algorithms developed to predict the effect of sequence changes on RNA splicing suggest that this variant may create or strengthen a splice site. In summary, the available evidence is currently insufficient to determine the role of this variant in disease. Therefore, it has been classified as a Variant of Uncertain Significance.

NM_000188.3(HK1):c.2222A>G (p.Tyr741Cys)

Gene: HK1 (hexokinase 1; plus strand). Cytogenetic location: 10q22.1.
Variant type: single nucleotide variant.
Coding change: c.2222A>G on transcript NM_000188.3 (MANE Select); coding-DNA position 2222, A replaced by G.
Protein change: p.Tyr741Cys; replaces tyrosine 741 with cysteine.
Molecular consequence: missense variant.
Genome position (GRCh38, 1-based): chr10:69,394,952, A>G. VCF-style: chr10-69394952-A-G. GRCh37 (hg19) VCF-style: chr10-71154708-A-G.
Other names: c.2126A>G, p.Tyr709Cys (NM_001322367.1); c.2234A>G, p.Tyr745Cys (NM_001358263.1, NM_033497.3, NM_033498.3 and 1 more transcripts); c.2219A>G, p.Tyr740Cys (NM_033496.3); c.2186A>G, p.Tyr729Cys (NM_033500.2); c.2327A>G, p.Tyr776Cys (NM_001322365.2); c.2138A>G, p.Tyr713Cys (NM_001322366.1); short protein forms Y745C, Y776C, Y740C, Y709C, Y713C, Y729C, Y741C.
Identifiers: ClinVar variation 2796014 (VCV002796014.3), dbSNP rs2540470318, ClinGen allele CA376915512.